The following is an entry in ClinVar:

ClinVar aggregate classification (germline): Pathogenic. Review status: criteria provided, multiple submitters, no conflicts (2 of 4 stars). 2 submissions from 2 submitters: Pathogenic (2). Last evaluated 2024-11-15.

Conditions:
Peroxisome biogenesis disorder. Identifiers: Orphanet 79189, MedGen C1832200, MONDO:0019234. Disease mechanism: loss of function.

Submissions (2):

Myriad Genetics, Inc.
Classification: Pathogenic for Peroxisome biogenesis disorder. Last evaluated: 2024-11-15. Review status: criteria provided, single submitter. Criteria: Myriad Autosomal Dominant, Autosomal Recessive and X-Linked Classification Criteria (2023). Collection method: clinical testing. Allele origin: unknown.
Comment: NM_000287.3(PEX6):c.1276G>T(E426*) is expected to be pathogenic in the context of peroxisome biogenesis disorder type 4. This variant is predicted to lead to an abnormal or absent protein product due to the creation of a premature termination codon in PEX6, a gene where loss-of-function variants are known to be pathogenic. Please note: this variant was assessed in the context of healthy population screening.

Labcorp Genetics (formerly Invitae), Labcorp
Classification: Pathogenic for Peroxisome biogenesis disorder. Last evaluated: 2023-12-01. Review status: criteria provided, single submitter. Criteria: Invitae Variant Classification Sherloc (09022015). Collection method: clinical testing. Allele origin: germline.
Comment: This sequence change creates a premature translational stop signal (p.Glu426*) in the PEX6 gene. It is expected to result in an absent or disrupted protein product. Loss-of-function variants in PEX6 are known to be pathogenic (PMID: 10408779, 21031596, 31831025). This variant is not present in population databases (gnomAD no frequency). This variant has not been reported in the literature in individuals affected with PEX6-related conditions. For these reasons, this variant has been classified as Pathogenic.

Literature cited by the submitters: PubMed 10408779 (cited by Labcorp Genetics (formerly Invitae), Labcorp); PubMed 21031596 (cited by Labcorp Genetics (formerly Invitae), Labcorp); PubMed 31831025 (cited by Labcorp Genetics (formerly Invitae), Labcorp).

NM_000287.4(PEX6):c.1276G>T (p.Glu426Ter)

Gene: PEX6 (peroxisomal biogenesis factor 6; minus strand). Cytogenetic location: 6p21.1.
Variant type: single nucleotide variant.
Coding change: c.1276G>T on transcript NM_000287.4 (MANE Select); coding-DNA position 1276, G replaced by T.
Protein change: p.Glu426Ter; replaces glutamic acid 426 with a stop codon.
Molecular consequence: nonsense. On other transcripts: non-coding transcript variant (1).
Genome position (GRCh38, 1-based): chr6:42,969,759, C>A on the plus strand (G>T on the coding strand, the complement: PEX6 is on the minus strand). VCF-style: chr6-42969759-C-A. GRCh37 (hg19) VCF-style: chr6-42937497-C-A.
Other names: c.1012G>T, p.Glu338Ter (NM_001316313.2); short protein forms E426*, E338*.
Identifiers: ClinVar variation 2700126 (VCV002700126.4), dbSNP rs1381041583, ClinGen allele CA364155820.